The following is an entry in ClinVar:

ClinVar aggregate classification (germline): Likely benign. Review status: criteria provided, multiple submitters, no conflicts (2 of 4 stars). 3 submissions from 3 submitters: Likely benign (2). 1 of the submissions does not count toward it. Last evaluated 2024-10-31.

Conditions:
BEAN1-related disorder. Also called: BEAN1-related condition.

Allele frequency attached by ClinVar (database versions not stated): 1000 Genomes Project 30x 0.00016; ExAC 0.00077; gnomAD 0.00086; TOPMed 0.00094; ESP Exome Variant Server 0.00110; gnomAD exomes 0.00148.
gnomAD v4.1: 2,168 of 1,551,428 alleles (0.14%); highest among the groups gnomAD compares: Non-Finnish European, 0.18%; 3 homozygotes.

Submissions (3):

Blueprint Genetics
Classification: Likely benign. Last evaluated: 2024-10-31. Review status: criteria provided, single submitter. Criteria: ACMG Guidelines, 2015. Collection method: clinical testing. Allele origin: germline.

CeGaT Center for Human Genetics Tuebingen
Classification: Likely benign. Last evaluated: 2023-11-01. Review status: criteria provided, single submitter. Criteria: CeGaT Center For Human Genetics Tuebingen Variant Classification Criteria Version 2. Collection method: clinical testing. Allele origin: germline. Affected: yes. Observed: 1 variant allele.
Comment: BEAN1: BP4, BP7

PreventionGenetics, part of Exact Sciences
Classification: Likely benign for BEAN1-related condition. Last evaluated: 2020-02-05. Review status: no assertion criteria provided. Collection method: clinical testing. Allele origin: germline. Not counted in ClinVar's aggregate classification.
Comment: This variant is classified as likely benign based on ACMG/AMP sequence variant interpretation guidelines (Richards et al. 2015 PMID: 25741868, with internal and published modifications).

NM_001178020.3(BEAN1):c.501A>G (p.Pro167=)

Gene: BEAN1 (brain expressed associated with NEDD4 1; plus strand). Cytogenetic location: 16q21.
Variant type: single nucleotide variant.
Coding change: c.501A>G on transcript NM_001178020.3 (MANE Select); coding-DNA position 501, A replaced by G.
Protein change: p.Pro167=; no amino-acid change (proline 167 retained).
Molecular consequence: synonymous variant. On other transcripts: intron variant (1).
Genome position (GRCh38, 1-based): chr16:66,480,646, A>G. VCF-style: chr16-66480646-A-G. GRCh37 (hg19) VCF-style: chr16-66514549-A-G.
Other names: c.174A>G, p.Pro58= (NM_001136106.5); c.114-2232A>G (NM_001197224.4); c.501A>G (NM_001178020.2).
Identifiers: ClinVar variation 2672642 (VCV002672642.25), dbSNP rs141546513, ClinGen allele CA8093450.
Genomic context (GRCh38, chr16:66,480,646, plus strand): 5'-CTACGAGGAGTGTGTGGGGCCAGGGGCCACTCAGCTGTATGTCCCCACGGACGCACCACC[A>G]CCCTACTCGCTGACTGATTCCTGCCCCACGCTGGATGGCACCTCCGACTCAGGCAGCGGC-3'
Protein context (NP_001171491.1, residues 157-177): TQLYVPTDAP[Pro167=]PYSLTDSCPT